The following is an entry in ClinVar:

ClinVar aggregate classification (germline): Uncertain significance (1 of 4 stars; one submission).

gnomAD v4.1: 2 of 1,209,644 alleles (0.00017%); highest among the groups gnomAD compares: African/African-American, 0.0035%; no homozygotes.

Submission:

GeneDx
Classification: Uncertain significance. Last evaluated: 2024-02-22. Review status: criteria provided, single submitter. Criteria: GeneDx Variant Classification Process June 2021. Collection method: clinical testing. Allele origin: germline. Affected: yes.
Comment: Has not been previously published as pathogenic or benign to our knowledge; Not observed at significant frequency in large population cohorts (gnomAD); In silico analysis supports that this missense variant does not alter protein structure/function

NM_001008537.3(NEXMIF):c.3116G>T (p.Ser1039Ile)

Gene: NEXMIF (neurite extension and migration factor; minus strand). Cytogenetic location: Xq13.3.
Variant type: single nucleotide variant.
Coding change: c.3116G>T on transcript NM_001008537.3 (MANE Select); coding-DNA position 3116, G replaced by T.
Protein change: p.Ser1039Ile; replaces serine 1039 with isoleucine.
Molecular consequence: missense variant.
Genome position (GRCh38, 1-based): chrX:74,741,441, C>A on the plus strand (G>T on the coding strand, the complement: NEXMIF is on the minus strand). VCF-style: chrX-74741441-C-A. GRCh37 (hg19) VCF-style: chrX-73961276-C-A.
Other names: short protein forms S1039I.
Identifiers: ClinVar variation 3343211 (VCV003343211.1).